The following is an entry in ClinVar:

NM_021199.4(SQOR):c.21G>A (p.Val7=)

Gene: SQOR (sulfide quinone oxidoreductase; plus strand). Cytogenetic location: 15q21.1.
Variant type: single nucleotide variant.
Coding change: c.21G>A on transcript NM_021199.4 (MANE Select); coding-DNA position 21, G replaced by A.
Protein change: p.Val7=; no amino-acid change (valine 7 retained).
Molecular consequence: synonymous variant.
Genome position (GRCh38, 1-based): chr15:45,658,944, G>A. VCF-style: chr15-45658944-G-A. GRCh37 (hg19) VCF-style: chr15-45951142-G-A.
Other names: c.21G>A, p.Val7= (NM_001271213.2).
Identifiers: ClinVar variation 3357531 (VCV003357531.1).

ClinVar aggregate classification (germline): Likely benign (0 of 4 stars; one submission).

Conditions:
SQOR-related disorder. Also called: SQOR-related condition.

gnomAD v4.1: 259 of 1,570,246 alleles (0.016%); highest among the groups gnomAD compares: African/African-American, 0.31%; no homozygotes.

Submission:

PreventionGenetics, part of Exact Sciences
Classification: Likely benign for SQOR-related condition. Last evaluated: 2024-06-10. Review status: no assertion criteria provided. Collection method: clinical testing. Allele origin: germline.
Comment: This variant is classified as likely benign based on ACMG/AMP sequence variant interpretation guidelines (Richards et al. 2015 PMID: 25741868, with internal and published modifications).